The following is an entry in ClinVar:

NM_017534.6(MYH2):c.3212_3218del (p.Ser1071fs)

Genes: MYH2 (myosin heavy chain 2; minus strand), MYHAS (myosin heavy chain gene cluster antisense RNA; plus strand). Cytogenetic location: 17p13.1.
Variant type: Deletion.
Coding change: c.3212_3218del on transcript NM_017534.6 (MANE Select); coding-DNA positions 3212 to 3218, 7 bases deleted (CCATAAT; older notation c.3212_3218delCCATAAT).
Protein change: p.Ser1071fs; shifts the reading frame from serine 1071.
Molecular consequence: frameshift variant.
Genome position (GRCh38, 1-based): chr17:10,529,381-10,529,387, ATTATGG deleted on the plus strand (CCATAAT on the coding strand, the reverse complement: MYH2 is on the minus strand); deleting any 7 consecutive bases within chr17:10,529,381-10,529,390 gives the same sequence; the c. name uses the placement nearest the transcript's 3' end. VCF-style (leftmost placement, unchanged base first): chr17-10529380-CATTATGG-C. GRCh37 (hg19) VCF-style: chr17-10432697-CATTATGG-C.
Other names: c.3212_3218del, p.Ser1071fs (NM_001100112.2); short protein forms S1071fs.
Identifiers: ClinVar variation 4880779 (VCV004880779.2).

ClinVar aggregate classification (germline): Likely pathogenic (1 of 4 stars; one submission).

Submission:

Dasa
Classification: Likely pathogenic. Last evaluated: 2026-01-07. Review status: criteria provided, single submitter. Criteria: DASA Assertion Criteria. Collection method: clinical testing. Allele origin: germline.
Comment: NM_017534.6(MYH2):c.3212_3218del (p.Ser1071Trpfs*97) is a frameshift variant in MYH2 predicted to alter the reading frame and introduce a premature termination codon and is predicted to result in an absent or altered protein product. Loss of function is an established disease mechanism for MYH2-associated disorders. Also, this variant is rare in population databases. Based on the currently available evidence, this variant is classified as likely pathogenic.